The following is an entry in ClinVar:

ClinVar aggregate classification (germline): Likely pathogenic (1 of 4 stars; one submission).

Conditions:
Seizures, benign familial infantile, 5 (BFIS5). Also called: CONVULSIONS, BENIGN FAMILIAL INFANTILE, 5. Identifiers: Orphanet 306, MedGen C4310728, MONDO:0014903, OMIM 617080.
Cognitive impairment with or without cerebellar ataxia (CIAT). Identifiers: MedGen C3280415, MONDO:0013680, OMIM 614306.
Developmental and epileptic encephalopathy, 13 (DEE13). Also called: Early infantile epileptic encephalopathy 13; SCN8A-Related Epilepsy; Developmental and Epileptic Encephalopathy (SCN8A-DEE). Identifiers: Orphanet 442835, MedGen C3281191, MONDO:0013801, OMIM 614558.
Myoclonus, familial, 2. Identifiers: MedGen C5193056, MONDO:0100092, OMIM 618364.

Submission:

Juno Genomics, Hangzhou Juno Genomics, Inc
Classification: Likely pathogenic for Myoclonus, familial, 2; Cognitive impairment with or without cerebellar ataxia; Developmental and epileptic encephalopathy, 13; Seizures, benign familial infantile, 5. Review status: criteria provided, single submitter. Criteria: ACMG Guidelines, 2015. Collection method: clinical testing. Allele origin: germline. Affected: yes.
Comment: Absent from controls (or at extremely low frequency if recessive) in Genome Aggregation Database, Exome Sequencing Project, 1000 Genomes Project, or Exome Aggregation Consortium.;Null variant in a gene where loss of function (LOF) is a known mechanism of disease.

NM_001330260.2(SCN8A):c.212del (p.Asp71fs)

Genes: SCN8A (sodium voltage-gated channel alpha subunit 8; plus strand), LOC114803470 (SCN8A eExon liver enhancer; plus strand). Cytogenetic location: 12q13.13.
Variant type: Deletion.
Coding change: c.212del on transcript NM_001330260.2 (MANE Select); coding-DNA position 212, one base deleted (A; older notation c.212delA).
Protein change: p.Asp71fs; shifts the reading frame from aspartic acid 71.
Molecular consequence: frameshift variant.
Genome position (GRCh38, 1-based): chr12:51,663,029, A deleted. VCF-style (leftmost placement, unchanged base first): chr12-51663028-GA-G. GRCh37 (hg19) VCF-style: chr12-52056812-GA-G.
Other names: c.212del, p.Asp71fs (NM_001177984.3, NM_001369788.1, NM_014191.4); short protein forms D71fs.
Identifiers: ClinVar variation 4796515 (VCV004796515.1).